The following is an entry in ClinVar:

NM_001013742.4(DGKK):c.303G>T (p.Pro101=)

Gene: DGKK (diacylglycerol kinase kappa; minus strand). Cytogenetic location: Xp11.22.
Variant type: single nucleotide variant.
Coding change: c.303G>T on transcript NM_001013742.4 (MANE Select); coding-DNA position 303, G replaced by T.
Protein change: p.Pro101=; no amino-acid change (proline 101 retained).
Molecular consequence: synonymous variant.
Genome position (GRCh38, 1-based): chrX:50,470,376, C>A on the plus strand (G>T on the coding strand, the complement: DGKK is on the minus strand). VCF-style: chrX-50470376-C-A. GRCh37 (hg19) VCF-style: chrX-50213375-C-A.
Identifiers: ClinVar variation 3026463 (VCV003026463.22), dbSNP rs1237093238, ClinGen allele CA516680219.

ClinVar aggregate classification (germline): Likely benign (1 of 4 stars; one submission).

Submission:

CeGaT Center for Human Genetics Tuebingen
Classification: Likely benign. Last evaluated: 2023-12-01. Review status: criteria provided, single submitter. Criteria: CeGaT Center For Human Genetics Tuebingen Variant Classification Criteria Version 2. Collection method: clinical testing. Allele origin: germline. Affected: yes. Observed: 1 variant allele.
Comment: DGKK: PM2:Supporting, BP4, BP7